The following is an entry in ClinVar:

ClinVar aggregate classification (germline): Uncertain significance (1 of 4 stars; one submission).

Conditions:
Cystic fibrosis (CF). Also called: MUCOVISCIDOSIS. Identifiers: Orphanet 586, MedGen C0010674, MONDO:0009061, OMIM 219700. Disease mechanism: loss of function.

Submission:

Ambry Genetics
Classification: Uncertain significance for Cystic fibrosis. Last evaluated: 2021-07-23. Review status: criteria provided, single submitter. Criteria: Ambry Variant Classification Scheme 2023. Collection method: clinical testing. Allele origin: germline.
Comment: The p.W1204L variant (also known as c.3611G>T), located in coding exon 22 of the CFTR gene, results from a G to T substitution at nucleotide position 3611. The tryptophan at codon 1204 is replaced by leucine, an amino acid with similar properties. This amino acid position is conserved. In addition, this alteration is predicted to be deleterious by in silico analysis. Since supporting evidence is limited at this time, the clinical significance of this alteration remains unclear.

NM_000492.4(CFTR):c.3611G>T (p.Trp1204Leu)

Genes: CFTR (CF transmembrane conductance regulator; plus strand), CFTR-AS2 (CFTR antisense RNA 2; minus strand). Cytogenetic location: 7q31.2.
Variant type: single nucleotide variant.
Coding change: c.3611G>T on transcript NM_000492.4 (MANE Select); coding-DNA position 3611, G replaced by T.
Protein change: p.Trp1204Leu; replaces tryptophan 1204 with leucine.
Molecular consequence: missense variant.
Genome position (GRCh38, 1-based): chr7:117,627,664, G>T. VCF-style: chr7-117627664-G-T. GRCh37 (hg19) VCF-style: chr7-117267718-G-T.
Other names: short protein forms W1204L.
Identifiers: ClinVar variation 1733234 (VCV001733234.2), dbSNP rs121908764, ClinGen allele CA368997176.
Genomic context (GRCh38, chr7:117,627,664, plus strand): 5'-ATGGCCAACTCTCGAAAGTTATGATTATTGAGAATTCACACGTGAAGAAAGATGACATCT[G>T]GCCCTCAGGGGGCCAAATGACTGTCAAAGATCTCACAGCAAAATACACAGAAGGTGGAAA-3'
Protein context (NP_000483.3, residues 1194-1214): ENSHVKKDDI[Trp1204Leu]PSGGQMTVKD